The following is an entry in ClinVar:

NM_194454.3(KRIT1):c.851G>A (p.Arg284Gln)

Gene: KRIT1 (KRIT1 ankyrin repeat containing; minus strand). Cytogenetic location: 7q21.2.
Variant type: single nucleotide variant.
Coding change: c.851G>A on transcript NM_194454.3 (MANE Select); coding-DNA position 851, G replaced by A.
Protein change: p.Arg284Gln; replaces arginine 284 with glutamine.
Molecular consequence: missense variant. On other transcripts: intron variant (3).
Genome position (GRCh38, 1-based): chr7:92,234,587, C>T on the plus strand (G>A on the coding strand, the complement: KRIT1 is on the minus strand). VCF-style: chr7-92234587-C-T. GRCh37 (hg19) VCF-style: chr7-91863901-C-T.
Other names: c.137G>A, p.Arg46Gln (NM_001350671.1); c.851G>A, p.Arg284Gln (NM_001350672.1, NM_001350673.1, NM_001350674.1 and 26 more transcripts); c.845+221G>A (NM_001350669.1, NM_001013406.2, NM_001350670.1); short protein forms R284Q, R46Q.
Identifiers: ClinVar variation 4094654 (VCV004094654.2).
Genomic context (GRCh38, chr7:92,234,587, plus strand): 5'-AGTAATTCTGAATCTCCTTCACAGGCGCTTCGGTGGAGAGGAAAATCATCTACCCACTGT[C>T]GTTCCCTAATCATTAAAAAGAAATTTTGAAAAATACAACAGGACTGTAAAAATTGTTTCA-3'
Protein context (NP_919436.1, residues 274-294): SMSSVTEDKE[Arg284Gln]QWVDDFPLHR

ClinVar aggregate classification (germline): Uncertain significance. Review status: criteria provided, multiple submitters, no conflicts (2 of 4 stars). 2 submissions from 2 submitters: Uncertain significance (2). Last evaluated 2025-08-29.

Conditions:
KRIT1-related disorder. Also called: KRIT1-related disorders; KRIT1-related condition.
Inborn genetic diseases. Identifiers: MedGen C0950123, MeSH D030342.

gnomAD v4.1: 126 of 1,612,528 alleles (0.0078%); highest among the groups gnomAD compares: Non-Finnish European, 0.01%; no homozygotes.

Submissions (2):

Ambry Genetics
Classification: Uncertain significance for Inborn genetic diseases. Last evaluated: 2025-08-29. Review status: criteria provided, single submitter. Criteria: Ambry Variant Classification Scheme 2023. Collection method: clinical testing. Allele origin: germline.

PreventionGenetics, part of Exact Sciences
Classification: Uncertain significance for KRIT1-related condition. Last evaluated: 2024-12-21. Review status: criteria provided, single submitter. Criteria: ACMG Guidelines, 2015. Collection method: clinical testing. Allele origin: germline.
Comment: The KRIT1 c.851G>A variant is predicted to result in the amino acid substitution p.Arg284Gln. To our knowledge, this variant has not been reported in the literature. This variant is reported in 0.0065% of alleles in individuals of South Asian descent in gnomAD. At this time, the clinical significance of this variant is uncertain due to the absence of conclusive functional and genetic evidence.